The following is an entry in ClinVar:

NM_201384.3(PLEC):c.6234G>T (p.Gln2078His)

Gene: PLEC (plectin; minus strand). Cytogenetic location: 8q24.3.
Variant type: single nucleotide variant.
Coding change: c.6234G>T on transcript NM_201384.3 (MANE Select); coding-DNA position 6234, G replaced by T.
Protein change: p.Gln2078His; replaces glutamine 2078 with histidine.
Molecular consequence: missense variant. On other transcripts: intron variant (1).
Genome position (GRCh38, 1-based): chr8:143,923,695, C>A on the plus strand (G>T on the coding strand, the complement: PLEC is on the minus strand). VCF-style: chr8-143923695-C-A. GRCh37 (hg19) VCF-style: chr8-144997863-C-A.
Other names: c.6315G>T, p.Gln2105His (NM_000445.5); c.6192G>T, p.Gln2064His (NM_201378.4); c.6168G>T, p.Gln2056His (NM_201379.3); c.6645G>T, p.Gln2215His (NM_201380.4); c.6138G>T, p.Gln2046His (NM_201381.3); c.6234G>T, p.Gln2078His (NM_201382.4); c.6246G>T, p.Gln2082His (NM_201383.3); c.4126-1300G>T (NM_001410941.1); short protein forms Q2046H, Q2078H, Q2082H, Q2215H, Q2064H, Q2105H, Q2056H.
Identifiers: ClinVar variation 2934780 (VCV002934780.3), dbSNP rs1217131605, ClinGen allele CA372537752.

ClinVar aggregate classification (germline): Uncertain significance (1 of 4 stars; one submission).

Conditions:
Epidermolysis bullosa simplex with nail dystrophy (EBS5D). Identifiers: MedGen C4225309, MONDO:0014661, OMIM 616487.
Epidermolysis bullosa simplex 5C, with pyloric atresia (EBS5C). Also called: PLEC-Related Epidermolysis Bullosa with Pyloric Atresia; Epidermolysis bullosa simplex with pyloric atresia; PLEC1-Related Epidermolysis Bullosa with Pyloric Atresia. Identifiers: Orphanet 158684, MedGen C2677349, MONDO:0012807, OMIM 612138.
Autosomal recessive limb-girdle muscular dystrophy type 2Q (LGMDR17). Also called: MUSCULAR DYSTROPHY, LIMB-GIRDLE, AUTOSOMAL RECESSIVE 17. Identifiers: Orphanet 254361, MedGen C3150989, MONDO:0013390, OMIM 613723.
Epidermolysis bullosa simplex, Ogna type (EBS5A). Also called: Pidermolysis bullosa simplex 5A, Ogna type; EPIDERMOLYSIS BULLOSA SIMPLEX 5A, OGNA TYPE. Identifiers: Orphanet 79401, MedGen C0432317, MONDO:0007555, OMIM 131950.
Epidermolysis bullosa simplex 5B, with muscular dystrophy (EBS5B). Also called: EPIDERMOLYSIS BULLOSA SIMPLEX AND LIMB-GIRDLE MUSCULAR DYSTROPHY; Epidermolysis bullosa simplex with muscular dystrophy. Identifiers: Orphanet 257, MedGen C2931072, MONDO:0009181, OMIM 226670.

gnomAD v4.1: 14 of 1,546,142 alleles (0.00091%); highest among the groups gnomAD compares: South Asian, 0.014%; no homozygotes.

Submission:

Labcorp Genetics (formerly Invitae), Labcorp
Classification: Uncertain significance for Autosomal recessive limb-girdle muscular dystrophy type 2Q; Epidermolysis bullosa simplex, Ogna type; Epidermolysis bullosa simplex with nail dystrophy; Epidermolysis bullosa simplex 5C, with pyloric atresia; Epidermolysis bullosa simplex 5B, with muscular dystrophy. Last evaluated: 2023-06-11. Review status: criteria provided, single submitter. Criteria: Invitae Variant Classification Sherloc (09022015). Collection method: clinical testing. Allele origin: germline.
Comment: In summary, the available evidence is currently insufficient to determine the role of this variant in disease. Therefore, it has been classified as a Variant of Uncertain Significance. An algorithm developed to predict the effect of missense changes on protein structure and function (PolyPhen-2) suggests that this variant is likely to be tolerated. This variant has not been reported in the literature in individuals affected with PLEC-related conditions. The frequency data for this variant in the population databases is considered unreliable, as metrics indicate poor data quality at this position in the gnomAD database. This sequence change replaces glutamine, which is neutral and polar, with histidine, which is basic and polar, at codon 2105 of the PLEC protein (p.Gln2105His).